The following is an entry in ClinVar:

ClinVar aggregate classification (germline): Pathogenic (0 of 4 stars; one submission).

Submission:

GenMed Metabolism Lab
Classification: Pathogenic. Review status: no assertion criteria provided. Collection method: not provided. Allele origin: unknown.
Comment: p.Thr93Ala, Late, Carbamyl phosphate binding site
ClinVar note: Converted during submission from pathogenic to Pathogenic.

NM_000531.6(OTC):c.277A>G (p.Thr93Ala)

Gene: OTC (ornithine transcarbamylase; plus strand). Cytogenetic location: Xp11.4.
Variant type: single nucleotide variant.
Coding change: c.277A>G on transcript NM_000531.6 (MANE Select); coding-DNA position 277, A replaced by G.
Protein change: p.Thr93Ala; replaces threonine 93 with alanine.
Molecular consequence: missense variant.
Genome position (GRCh38, 1-based): chrX:38,369,856, A>G. VCF-style: chrX-38369856-A-G. GRCh37 (hg19) VCF-style: chrX-38229109-A-G.
Other names: short protein forms T93A.
Identifiers: ClinVar variation 97155 (VCV000097155.2), dbSNP rs72554344, ClinGen allele CA224536.
Genomic context (GRCh38, chrX:38,369,856, plus strand): 5'-TATTTGCCTTTATTGCAAGGGAAGTCCTTAGGCATGATTTTTGAGAAAAGAAGTACTCGA[A>G]CAAGATTGTCTACAGAAACAGGTAAGTCCACTGCCAAATTCACACTTGTGTTGAAGAGAG-3'
Protein context (NP_000522.3, residues 83-103): GMIFEKRSTR[Thr93Ala]RLSTETGFAL